The following is an entry in ClinVar:

NM_001128159.3(VPS53):c.1531A>T (p.Lys511Ter)

Gene: VPS53 (VPS53 subunit of GARP complex; minus strand). Cytogenetic location: 17p13.3.
Variant type: single nucleotide variant.
Coding change: c.1531A>T on transcript NM_001128159.3 (MANE Select); coding-DNA position 1531, A replaced by T.
Protein change: p.Lys511Ter; replaces lysine 511 with a stop codon.
Molecular consequence: nonsense.
Genome position (GRCh38, 1-based): chr17:562,528, T>A on the plus strand (A>T on the coding strand, the complement: VPS53 is on the minus strand). VCF-style: chr17-562528-T-A. GRCh37 (hg19) VCF-style: chr17-465768-T-A.
Other names: c.1531A>T, p.Lys511Ter (NM_001366253.2); c.937A>T, p.Lys313Ter (NM_001366254.2); c.1444A>T, p.Lys482Ter (NM_018289.4); short protein forms K313*, K482*, K511*.
Identifiers: ClinVar variation 5014220 (VCV005014220.1).

ClinVar aggregate classification (germline): Pathogenic (1 of 4 stars; one submission).

Conditions:
Pontocerebellar hypoplasia type 2E. Identifiers: Orphanet 247198, MedGen C4014488, MONDO:0014370, OMIM 615851.

Submission:

Myriad Genetics, Inc.
Classification: Pathogenic for Pontocerebellar hypoplasia type 2E. Last evaluated: 2025-03-15. Review status: criteria provided, single submitter. Criteria: Myriad Autosomal Dominant, Autosomal Recessive and X-Linked Classification Criteria (2023). Collection method: clinical testing. Allele origin: unknown.
Comment: NM_001128159.2(VPS53):c.1531A>T(K511*) is expected to be pathogenic in the context of pontocerebellar hypoplasia, VPS53-related. This variant is predicted to lead to an abnormal or absent protein product due to the creation of a premature termination codon in VPS53, a gene where loss-of-function variants are known to be pathogenic. Please note: this variant was assessed in the context of healthy population screening.